The following is an entry in ClinVar:

NM_000089.4(COL1A2):c.2224G>T (p.Gly742Ter)

Gene: COL1A2 (collagen type I alpha 2 chain; plus strand). Cytogenetic location: 7q21.3.
Variant type: single nucleotide variant.
Coding change: c.2224G>T on transcript NM_000089.4 (MANE Select); coding-DNA position 2224, G replaced by T.
Protein change: p.Gly742Ter; replaces glycine 742 with a stop codon.
Molecular consequence: nonsense.
Genome position (GRCh38, 1-based): chr7:94,420,577, G>T. VCF-style: chr7-94420577-G-T. GRCh37 (hg19) VCF-style: chr7-94049889-G-T.
Other names: short protein forms G742*.
Identifiers: ClinVar variation 4851962 (VCV004851962.1).

ClinVar aggregate classification (germline): Pathogenic (1 of 4 stars; one submission).

Submission:

Dasa
Classification: Pathogenic. Last evaluated: 2025-06-12. Review status: criteria provided, single submitter. Criteria: DASA Assertion Criteria. Collection method: clinical testing. Allele origin: germline.
Comment: NM_000089.4(COL1A2):c.2224G>T (p.Gly742*) introduces a premature termination codon predicted to result in loss of normal protein function. Loss-of-function is an established mechanism of disease for this gene. Segregation evidence has been reported in affected families. The variant is present at low frequency in population datasets. Based on the available data, this variant is classified as pathogenic.